The following is an entry in ClinVar:

NM_015338.6(ASXL1):c.5A>C (p.Lys2Thr)

Gene: ASXL1 (ASXL transcriptional regulator 1; plus strand). Cytogenetic location: 20q11.21.
Variant type: single nucleotide variant.
Coding change: c.5A>C on transcript NM_015338.6 (MANE Select); coding-DNA position 5, A replaced by C.
Protein change: p.Lys2Thr; replaces lysine 2 with threonine.
Molecular consequence: missense variant.
Genome position (GRCh38, 1-based): chr20:32,358,780, A>C. VCF-style: chr20-32358780-A-C. GRCh37 (hg19) VCF-style: chr20-30946583-A-C.
Other names: c.5A>C, p.Lys2Thr (NM_001164603.1); short protein forms K2T.
Identifiers: ClinVar variation 4864444 (VCV004864444.1).

ClinVar aggregate classification (germline): Uncertain significance (1 of 4 stars; one submission).

Conditions:
Inborn genetic diseases. Identifiers: MedGen C0950123, MeSH D030342.

Submission:

Ambry Genetics
Classification: Uncertain significance for Inborn genetic diseases. Last evaluated: 2026-05-01. Review status: criteria provided, single submitter. Criteria: Ambry Variant Classification Scheme 2023. Collection method: clinical testing. Allele origin: germline.
Comment: The p.K2T variant (also known as c.5A>C), located in coding exon 1 of the ASXL1 gene, results from an A to C substitution at nucleotide position 5. The lysine at codon 2 is replaced by threonine, an amino acid with similar properties. This amino acid position is conserved. In addition, this alteration is predicted to be tolerated by in silico analysis. Based on the available evidence, the clinical significance of this variant remains unclear.